The following is an entry in ClinVar:

ClinVar aggregate classification (germline): Uncertain significance (1 of 4 stars; one submission).

Allele frequency attached by ClinVar (database versions not stated): gnomAD 0.00004 and 0.00005.

Submission:

Laboratory for Molecular Medicine, Mass General Brigham Personalized Medicine
Classification: Uncertain significance. Last evaluated: 2021-03-31. Review status: criteria provided, single submitter. Criteria: LMM Criteria. Collection method: clinical testing. Allele origin: germline. Observed: 1 variant allele.
Comment: The c.-144C>T variant in SLC26A4 has not been previously reported in individuals with hearing loss, but has been identified in 0.026% (4/15424) of European chromosomes by gnomAD. This variant is in the 5' untranslated region (UTR) of the SLC26A4 gene. At this time, we are unable to predict whether or not this variant impacts the protein. In summary, the clinical significance of this variant is uncertain. ACMG/AMP Criteria applied: PM2_P.

NC_000007.14:g.107660715C>T

Genes: SLC26A4 (solute carrier family 26 member 4; plus strand), SLC26A4-AS1 (SLC26A4 antisense RNA 1; minus strand). Cytogenetic location: 7q22.3.
Variant type: single nucleotide variant.
Genome position: GRCh38 VCF-style: chr7-107660715-C-T. GRCh37 (hg19) VCF-style: chr7-107301160-C-T.
Identifiers: ClinVar variation 1120095 (VCV001120095.5), dbSNP rs555168273, ClinGen allele CA164206148.